The following is an entry in ClinVar:

NM_001040716.2(PC):c.982C>G (p.Arg328Gly)

Gene: PC (pyruvate carboxylase; minus strand). Cytogenetic location: 11q13.2.
Variant type: single nucleotide variant.
Coding change: c.982C>G on transcript NM_001040716.2 (MANE Select); coding-DNA position 982, C replaced by G.
Protein change: p.Arg328Gly; replaces arginine 328 with glycine.
Molecular consequence: missense variant.
Genome position (GRCh38, 1-based): chr11:66,868,886, G>C on the plus strand (C>G on the coding strand, the complement: PC is on the minus strand). VCF-style: chr11-66868886-G-C. GRCh37 (hg19) VCF-style: chr11-66636357-G-C.
Other names: c.982C>G, p.Arg328Gly (NM_000920.4, NM_022172.3); short protein forms R328G.
Identifiers: ClinVar variation 2570803 (VCV002570803.27), dbSNP rs137879213, ClinGen allele CA381500294.

ClinVar aggregate classification (germline): Uncertain significance (1 of 4 stars; one submission).

Submission:

CeGaT Center for Human Genetics Tuebingen
Classification: Uncertain significance. Last evaluated: 2023-06-01. Review status: criteria provided, single submitter. Criteria: CeGaT Center For Human Genetics Tuebingen Variant Classification Criteria Version 2. Collection method: clinical testing. Allele origin: germline. Affected: yes. Observed: 1 variant allele.
Comment: PC: PM2, PP3